The following is an entry in ClinVar:

ClinVar aggregate classification (germline): Uncertain significance (1 of 4 stars; one submission).

Conditions:
KANSL1-related disorder. Also called: KANSL1-related condition.

Submission:

PreventionGenetics, part of Exact Sciences
Classification: Uncertain significance for KANSL1-related condition. Last evaluated: 2025-07-08. Review status: criteria provided, single submitter. Criteria: ACMG Guidelines, 2015. Collection method: clinical testing. Allele origin: germline.
Comment: The KANSL1 c.1576A>T variant is predicted to result in the amino acid substitution p.Ile526Phe. To our knowledge, this variant has not been reported in the literature or in a large population database (gnomAD), indicating this variant is rare. At this time, the clinical significance of this variant is uncertain due to the absence of conclusive functional and genetic evidence.

NM_015443.4(KANSL1):c.1576A>T (p.Ile526Phe)

Gene: KANSL1 (KAT8 regulatory NSL complex subunit 1). Cytogenetic location: 17q21.31.
Variant type: single nucleotide variant.
Coding change: c.1576A>T on transcript NM_015443.4 (MANE Select); coding-DNA position 1576, A replaced by T.
Protein change: p.Ile526Phe; replaces isoleucine 526 with phenylalanine.
Molecular consequence: missense variant.
Genome position (GRCh38, 1-based): chr17:46,067,625, T>A on the plus strand (A>T on the coding strand, the complement: KANSL1 is on the minus strand). VCF-style: chr17-46067625-T-A. GRCh37 (hg19) VCF-style: chr17-44144991-T-A.
Other names: c.1576A>T, p.Ile526Phe (NM_001193465.2, NM_001193466.2, NM_001379198.1 and 14 more transcripts); c.1474A>T, p.Ile492Phe (NM_001405859.1, NM_001405860.1, NM_001405861.1 and 1 more transcripts); c.310A>T, p.Ile104Phe (NM_001405882.1, NM_001405883.1, NM_001405884.1 and 1 more transcripts); short protein forms I104F, I492F, I526F.
Identifiers: ClinVar variation 4978210 (VCV004978210.1).